The following is an entry in ClinVar:

ClinVar aggregate classification (germline): Likely pathogenic. Review status: reviewed by expert panel (3 of 4 stars). 2 submissions from 2 submitters: Likely pathogenic (1). 1 of the submissions does not count toward it. Last evaluated 2025-12-17.

Conditions:
Bernard Soulier syndrome (BSS). Also called: GLYCOPROTEIN Ib, PLATELET, DEFICIENCY OF; VON WILLEBRAND FACTOR RECEPTOR DEFICIENCY; Platelet Glycoprotein 1b, Deficiency of; BLEEDING DISORDER, PLATELET-TYPE, 1; Giant platelet syndrome; Hemorrhagiparous thrombocytic dystrophy. Identifiers: Orphanet 274, MedGen C0005129, MeSH D001606, MONDO:0009276, OMIM 231200.
Bernard-Soulier syndrome type C. Identifiers: MedGen C1856448.

Allele frequency attached by ClinVar (database versions not stated): gnomAD exomes 0.00006 and 0.00007; gnomAD 0.00009 and 0.00008; TOPMed below 0.00001; ExAC 0.00007.
gnomAD v4.1: 45 of 1,613,602 alleles (0.0028%); highest among the groups gnomAD compares: Non-Finnish European, 0.00017%; no homozygotes.

Submissions (2):

ClinGen Platelet Disorders Variant Curation Expert Panel, ClinGen
Classification: Likely pathogenic for Bernard Soulier syndrome. Last evaluated: 2025-12-17. Review status: reviewed by expert panel. Criteria: ClinGen Platelet ACMG Specifications GP9 V1.0.0. Collection method: curation. Allele origin: germline. Inheritance: Autosomal recessive inheritance.
Comment: The c.167T>C variant in GP9 is a missense variant predicted to cause substitution of Leucine by Proline at amino acid 56 (p.Leu56Pro). At least one patient (Patient II-2 in PMID: 9886312) with this variant had aggregation absent for ristocetin and present for all other agonists as well as less than 10% expression of GP9 measured by flow cytometry, which is highly specific for Bernard-Soulier syndrome. Additionally, the patient had excessive mucocutaneous bleeding and macrothrombocytopenia which are consistent with Bernard-Soulier syndrome (PP4). The computational predictor REVEL gives a score of 0.849, which is above the ClinGen PD VCEP threshold of >0.773 and predicts a damaging effect on function (PP3_Moderate). The largest MAF allele frequency in gnomAD v4.1.0 is 0.000001695 (based on 2/1179872 alleles) in the European (non-Finnish) population, which is lower than the ClinGen PD VCEP threshold (<0.0000329; PM2_Supporting). In summary, this variant meets the criteria to be classified as Likely Pathogenic for autosomal recessive Bernard-Soulier syndrome based on the ACMG/AMP criteria applied, as specified by the ClinGen PD VCEP: PP4, PM3_Supporting, PP1, PP3_Moderate and PM2_Supporting (VCEP specifications version 1.1).

OMIM
Classification: Pathogenic for BERNARD-SOULIER SYNDROME, TYPE C. Last evaluated: 1998-12-01. Review status: no assertion criteria provided. Collection method: literature only. Allele origin: germline. Not counted in ClinVar's aggregate classification.

Literature cited by the submitters: PubMed 9886312 (cited by OMIM).

NM_000174.5(GP9):c.167T>C (p.Leu56Pro)

Gene: GP9 (glycoprotein IX platelet; plus strand). Cytogenetic location: 3q21.3.
Variant type: single nucleotide variant.
Coding change: c.167T>C on transcript NM_000174.5 (MANE Select); coding-DNA position 167, T replaced by C.
Protein change: p.Leu56Pro; replaces leucine 56 with proline.
Molecular consequence: missense variant.
Genome position (GRCh38, 1-based): chr3:129,061,906, T>C. VCF-style: chr3-129061906-T-C. GRCh37 (hg19) VCF-style: chr3-128780749-T-C.
Other names: L40P; NM_000174.5(GP9):c.167T>C; short protein forms L56P.
Identifiers: ClinVar variation 13532 (VCV000013532.1), dbSNP rs28933377, ClinGen allele CA123179.